The following is an entry in ClinVar:

ClinVar aggregate classification (germline): Uncertain significance (1 of 4 stars; one submission).

gnomAD v4.1: 1 of 1,613,856 alleles (0.000062%); highest among the groups gnomAD compares: Non-Finnish European, 0.000085%; no homozygotes.

Submission:

Labcorp Genetics (formerly Invitae), Labcorp
Classification: Uncertain significance. Last evaluated: 2023-06-29. Review status: criteria provided, single submitter. Criteria: Invitae Variant Classification Sherloc (09022015). Collection method: clinical testing. Allele origin: germline.
Comment: In summary, the available evidence is currently insufficient to determine the role of this variant in disease. Therefore, it has been classified as a Variant of Uncertain Significance. This sequence change replaces glutamic acid, which is acidic and polar, with lysine, which is basic and polar, at codon 911 of the ROR2 protein (p.Glu911Lys). This variant is present in population databases (no rsID available, gnomAD 0.0009%). This variant has not been reported in the literature in individuals affected with ROR2-related conditions. Advanced modeling of protein sequence and biophysical properties (such as structural, functional, and spatial information, amino acid conservation, physicochemical variation, residue mobility, and thermodynamic stability) performed at Invitae indicates that this missense variant is not expected to disrupt ROR2 protein function.

NM_004560.4(ROR2):c.2731G>A (p.Glu911Lys)

Gene: ROR2 (receptor tyrosine kinase like orphan receptor 2; minus strand). Cytogenetic location: 9q22.31.
Variant type: single nucleotide variant.
Coding change: c.2731G>A on transcript NM_004560.4 (MANE Select); coding-DNA position 2731, G replaced by A.
Protein change: p.Glu911Lys; replaces glutamic acid 911 with lysine.
Molecular consequence: missense variant.
Genome position (GRCh38, 1-based): chr9:91,723,763, C>T on the plus strand (G>A on the coding strand, the complement: ROR2 is on the minus strand). VCF-style: chr9-91723763-C-T. GRCh37 (hg19) VCF-style: chr9-94486045-C-T.
Other names: short protein forms E911K.
Identifiers: ClinVar variation 2984464 (VCV002984464.3), dbSNP rs1439454538, ClinGen allele CA373793203.
Genomic context (GRCh38, chr9:91,723,763, plus strand): 5'-TGTCACAGTCCCCCAGCAGCTCAGTCTCTGGGACAGAGCCTTCCTCCTCCTCCTCTGCTT[C>T]CTGCACGGTGCTCTGGGCCCCATCTTCTGGGGCGTTCTGTGTGTCATCAGCGCCCTCTGA-3'
Protein context (NP_004551.2, residues 901-921): PEDGAQSTVQ[Glu911Lys]AEEEEEGSVP